The following is an entry in ClinVar:

ClinVar aggregate classification (germline): Likely benign. Review status: criteria provided, multiple submitters, no conflicts (2 of 4 stars). 2 submissions from 2 submitters: Likely benign (2). Last evaluated 2024-06-01.

Allele frequency attached by ClinVar (database versions not stated): ExAC 0.00002; gnomAD 0.00002; gnomAD exomes 0.00004; TOPMed 0.00005.
gnomAD v4.1: 66 of 1,614,028 alleles (0.0041%); highest among the groups gnomAD compares: Non-Finnish European, 0.005%; no homozygotes.

Submissions (2):

CeGaT Center for Human Genetics Tuebingen
Classification: Likely benign. Last evaluated: 2024-06-01. Review status: criteria provided, single submitter. Criteria: CeGaT Center For Human Genetics Tuebingen Variant Classification Criteria Version 2. Collection method: clinical testing. Allele origin: germline. Affected: yes. Observed: 1 variant allele.
Comment: DLL1: BP4, BP7

Labcorp Genetics (formerly Invitae), Labcorp
Classification: Likely benign. Last evaluated: 2024-02-14. Review status: criteria provided, single submitter. Criteria: Invitae Variant Classification Sherloc (09022015). Collection method: clinical testing. Allele origin: germline.

NM_005618.4(DLL1):c.975C>T (p.Cys325=)

Gene: DLL1 (delta like canonical Notch ligand 1; minus strand). Cytogenetic location: 6q27.
Variant type: single nucleotide variant.
Coding change: c.975C>T on transcript NM_005618.4 (MANE Select); coding-DNA position 975, C replaced by T.
Protein change: p.Cys325=; no amino-acid change (cysteine 325 retained).
Molecular consequence: synonymous variant.
Genome position (GRCh38, 1-based): chr6:170,285,311, G>A on the plus strand (C>T on the coding strand, the complement: DLL1 is on the minus strand). VCF-style: chr6-170285311-G-A. GRCh37 (hg19) VCF-style: chr6-170594399-G-A.
Identifiers: ClinVar variation 2973048 (VCV002973048.21), dbSNP rs762743550, ClinGen allele CA4106970.
Genomic context (GRCh38, chr6:170,285,311, plus strand): 5'-CACCGTGCAGCTCCCTCCGTTCTTACAAGGGCTGGGGTCACACTCGTCAATCCCCAGCTC[G>A]CAGGTGGCACCTGTGTACCCAGGCCGGCAAGAGCAAGTGTAGCTCCCCTGGCCCGTGTTG-3'
Protein context (NP_005609.3, residues 315-335): SCRPGYTGAT[Cys325=]ELGIDECDPS